The following is an entry in ClinVar:

NM_021930.6(RINT1):c.1284T>G (p.Ile428Met)

Gene: RINT1 (RAD50 interactor 1; plus strand). Cytogenetic location: 7q22.3.
Variant type: single nucleotide variant.
Coding change: c.1284T>G on transcript NM_021930.6 (MANE Select); coding-DNA position 1284, T replaced by G.
Protein change: p.Ile428Met; replaces isoleucine 428 with methionine.
Molecular consequence: missense variant. On other transcripts: non-coding transcript variant (1).
Genome position (GRCh38, 1-based): chr7:105,550,437, T>G. VCF-style: chr7-105550437-T-G. GRCh37 (hg19) VCF-style: chr7-105190884-T-G.
Other names: c.1050T>G, p.Ile350Met (NM_001346599.2); c.261T>G, p.Ile87Met (NM_001346600.2, NM_001346603.2); c.360T>G, p.Ile120Met (NM_001346601.2); short protein forms I87M, I428M, I120M, I350M.
Identifiers: ClinVar variation 1478112 (VCV001478112.8), dbSNP rs2133402553, ClinGen allele CA368809363.

ClinVar aggregate classification (germline): Uncertain significance (1 of 4 stars; one submission).

Submission:

Labcorp Genetics (formerly Invitae), Labcorp
Classification: Uncertain significance. Last evaluated: 2021-07-13. Review status: criteria provided, single submitter. Criteria: Invitae Variant Classification Sherloc (09022015). Collection method: clinical testing. Allele origin: germline.
Comment: This sequence change replaces isoleucine with methionine at codon 428 of the RINT1 protein (p.Ile428Met). The isoleucine residue is highly conserved and there is a small physicochemical difference between isoleucine and methionine. This variant is not present in population databases (ExAC no frequency). This variant has not been reported in the literature in individuals affected with RINT1-related conditions. Algorithms developed to predict the effect of missense changes on protein structure and function are either unavailable or do not agree on the potential impact of this missense change (SIFT: "Deleterious"; PolyPhen-2: "Probably Damaging"; Align-GVGD: "Class C0"). In summary, the available evidence is currently insufficient to determine the role of this variant in disease. Therefore, it has been classified as a Variant of Uncertain Significance.